The following is an entry in ClinVar:

NM_032608.7(MYO18B):c.4656_4657delinsTG (p.Glu1552_Leu1553delinsAspVal)

Genes: MYO18B (myosin XVIIIB; plus strand), MYO18B-AS1 (MYO18B antisense RNA 1; minus strand). Cytogenetic location: 22q12.1.
Variant type: Indel.
Coding change: c.4656_4657delinsTG on transcript NM_032608.7 (MANE Select); coding-DNA positions 4656 to 4657, GC replaced by TG.
Protein change: p.Glu1552_Leu1553delinsAspVal.
Molecular consequence: missense variant.
Genome position (GRCh38, 1-based): chr22:25,895,268-25,895,269, GC replaced by TG. VCF-style: chr22-25895268-GC-TG. GRCh37 (hg19) VCF-style: chr22-26291235-GC-TG.
Other names: c.4659_4660delinsTG, p.Glu1553_Leu1554delinsAspVal (NM_001318245.2).
Identifiers: ClinVar variation 2113983 (VCV002113983.4), dbSNP rs2517817873, ClinGen allele CA2580099303.

ClinVar aggregate classification (germline): Uncertain significance (1 of 4 stars; one submission).

Submission:

Labcorp Genetics (formerly Invitae), Labcorp
Classification: Uncertain significance. Last evaluated: 2022-03-18. Review status: criteria provided, single submitter. Criteria: Invitae Variant Classification Sherloc (09022015). Collection method: clinical testing. Allele origin: germline.
Comment: This variant, c.4656_4657delinsTG, is a complex sequence change that results in the deletion of 2 and insertions of 2 amino acid(s) in the MYO18B protein (p.Glu1552_Leu1553delinsAspVal). Information on the frequency of this variant in the gnomAD database is not available, as this variant may be reported differently in the database. This variant has not been reported in the literature in individuals affected with MYO18B-related conditions. Experimental studies and prediction algorithms are not available or were not evaluated, and the functional significance of this variant is currently unknown. In summary, the available evidence is currently insufficient to determine the role of this variant in disease. Therefore, it has been classified as a Variant of Uncertain Significance.